The following is an entry in ClinVar:

NM_177438.3(DICER1):c.4281del (p.Met1428fs)

Gene: DICER1 (dicer 1, ribonuclease III; minus strand). Cytogenetic location: 14q32.13.
Variant type: Deletion.
Coding change: c.4281del on transcript NM_177438.3 (MANE Select); coding-DNA position 4281, one base deleted (G; older notation c.4281delG).
Protein change: p.Met1428fs; shifts the reading frame from methionine 1428.
Molecular consequence: frameshift variant. On other transcripts: non-coding transcript variant (6).
Genome position (GRCh38, 1-based): chr14:95,096,639, C deleted on the plus strand (G on the coding strand, the reverse complement: DICER1 is on the minus strand). VCF-style (leftmost placement, unchanged base first): chr14-95096638-TC-T. GRCh37 (hg19) VCF-style: chr14-95562975-TC-T.
Other names: c.4281del, p.Met1428fs (NM_001195573.1, NM_001271282.3, NM_001291628.2 and 12 more transcripts); c.4281delG, p.Met1428Cysfs (NM_001395681.1); c.3999del, p.Met1334fs (NM_001395686.1); c.3876del, p.Met1293fs (NM_001395687.1, NM_001395688.1, NM_001395689.1 and 2 more transcripts); c.3714del, p.Met1239fs (NM_001395691.1); c.2598del, p.Met867fs (NM_001395697.1); short protein forms M1239fs, M1428fs, M1334fs, M867fs, M1293fs.
Identifiers: ClinVar variation 2115074 (VCV002115074.4), dbSNP rs2542512303, ClinGen allele CA2580089022.

ClinVar aggregate classification (germline): Pathogenic (1 of 4 stars; one submission).

Conditions:
DICER1-related tumor predisposition. Also called: DICER1 syndrome; DICER1-related pleuropulmonary blastoma cancer predisposition syndrome. Identifiers: Orphanet 284343, MedGen C3839822, MONDO:0100216.

Submission:

Labcorp Genetics (formerly Invitae), Labcorp
Classification: Pathogenic for DICER1-related tumor predisposition. Last evaluated: 2024-01-18. Review status: criteria provided, single submitter. Criteria: Invitae Variant Classification Sherloc (09022015). Collection method: clinical testing. Allele origin: germline.
Comment: This sequence change creates a premature translational stop signal (p.Met1428Cysfs*26) in the DICER1 gene. It is expected to result in an absent or disrupted protein product. Loss-of-function variants in DICER1 are known to be pathogenic (PMID: 19556464, 21266384). This variant is not present in population databases (gnomAD no frequency). This variant has not been reported in the literature in individuals affected with DICER1-related conditions. ClinVar contains an entry for this variant (Variation ID: 2115074). For these reasons, this variant has been classified as Pathogenic.

Literature cited by the submitters: PubMed 19556464; PubMed 21266384.